The following is an entry in ClinVar:

ClinVar aggregate classification (germline): Pathogenic (1 of 4 stars; one submission).

Allele frequency attached by ClinVar (database versions not stated): gnomAD 0.00001; ExAC 0.00002; TOPMed 0.00003.
gnomAD v4.1: 2 of 1,613,702 alleles (0.00012%); highest among the groups gnomAD compares: East Asian, 0.0045%; no homozygotes.

Submission:

Labcorp Genetics (formerly Invitae), Labcorp
Classification: Pathogenic. Last evaluated: 2021-09-01. Review status: criteria provided, single submitter. Criteria: Invitae Variant Classification Sherloc (09022015). Collection method: clinical testing. Allele origin: germline.
Comment: This sequence change creates a premature translational stop signal (p.Tyr787*) in the CNGB1 gene. It is expected to result in an absent or disrupted protein product. Loss-of-function variants in CNGB1 are known to be pathogenic (PMID: 15557452, 24043777). This variant is present in population databases (rs367678786, ExAC 0.02%). This premature translational stop signal has been observed in individual(s) with retinitis pigmentosa (PMID: 24938718, 29179439). In at least one individual the data is consistent with the variant being in trans (on the opposite chromosome) from a pathogenic variant. For these reasons, this variant has been classified as Pathogenic.

Literature cited by the submitters: PubMed 15557452; PubMed 24043777; PubMed 24938718; PubMed 29179439.

NM_001297.5(CNGB1):c.2361C>A (p.Tyr787Ter)

Gene: CNGB1 (cyclic nucleotide gated channel subunit beta 1; minus strand). Cytogenetic location: 16q21.
Variant type: single nucleotide variant.
Coding change: c.2361C>A on transcript NM_001297.5 (MANE Select); coding-DNA position 2361, C replaced by A.
Protein change: p.Tyr787Ter; replaces tyrosine 787 with a stop codon.
Molecular consequence: nonsense.
Genome position (GRCh38, 1-based): chr16:57,912,938, G>T on the plus strand (C>A on the coding strand, the complement: CNGB1 is on the minus strand). VCF-style: chr16-57912938-G-T. GRCh37 (hg19) VCF-style: chr16-57946842-G-T.
Other names: c.2343C>A, p.Tyr781Ter (NM_001286130.2); short protein forms Y781*, Y787*.
Identifiers: ClinVar variation 945067 (VCV000945067.7), dbSNP rs367678786, ClinGen allele CA8083051.